The following is an entry in ClinVar:

ClinVar aggregate classification (germline): Uncertain significance (1 of 4 stars; one submission).

Allele frequency attached by ClinVar (database versions not stated): TOPMed 0.00002; ExAC 0.00001.
gnomAD v4.1: 94 of 1,610,234 alleles (0.0058%); highest among the groups gnomAD compares: Non-Finnish European, 0.008%; no homozygotes.

Submission:

Labcorp Genetics (formerly Invitae), Labcorp
Classification: Uncertain significance. Last evaluated: 2025-11-18. Review status: criteria provided, single submitter. Criteria: Invitae Variant Classification Sherloc (09022015). Collection method: clinical testing. Allele origin: germline.
Comment: This sequence change replaces proline, which is neutral and non-polar, with leucine, which is neutral and non-polar, at codon 368 of the DHX32 protein (p.Pro368Leu). This variant is present in population databases (rs573673829, gnomAD 0.007%). This variant has not been reported in the literature in individuals affected with DHX32-related conditions. ClinVar contains an entry for this variant (Variation ID: 2418403). An algorithm developed to predict the effect of missense changes on protein structure and function (PolyPhen-2) suggests that this variant is likely to be disruptive. In summary, the available evidence is currently insufficient to determine the role of this variant in disease. Therefore, it has been classified as a Variant of Uncertain Significance.

NM_018180.3(DHX32):c.1103C>T (p.Pro368Leu)

Genes: BCCIP (BRCA2 and CDKN1A interacting protein; plus strand), DHX32 (DEAH-box helicase 32 (putative); minus strand). Cytogenetic location: 10q26.2.
Variant type: single nucleotide variant.
Coding change: c.1103C>T on transcript NM_018180.3 (MANE Select); coding-DNA position 1103, C replaced by T.
Protein change: p.Pro368Leu; replaces proline 368 with leucine.
Molecular consequence: missense variant. On other transcripts: intron variant (1).
Genome position (GRCh38, 1-based): chr10:125,852,632, G>A on the plus strand (C>T on the coding strand, the complement: DHX32 is on the minus strand). VCF-style: chr10-125852632-G-A. GRCh37 (hg19) VCF-style: chr10-127541201-G-A.
Other names: c.851-493G>A (NM_016567.4); short protein forms P368L.
Identifiers: ClinVar variation 2418403 (VCV002418403.42), dbSNP rs573673829, ClinGen allele CA5739272.
Genomic context (GRCh38, chr10:125,852,632, plus strand): 5'-CGTATCTCTGCCTGGCTCTGGCTGATGGGCTGCATGACGAGCGAGTTTGCTCTTATTCTC[G>A]GGTTGTACACCTTTAAATGGAAAGACAGCATCATTAGCGTCAGATAAGTCATGATTCAGT-3'
Protein context (NP_060650.2, residues 358-378): VGVERRKVYN[Pro368Leu]RIRANSLVMQ